The following is an entry in ClinVar:

NM_001278669.2(NFATC1):c.2092+9A>C

Gene: NFATC1 (nuclear factor of activated T cells 1; plus strand). Cytogenetic location: 18q23.
Variant type: single nucleotide variant.
Coding change: c.2092+9A>C on transcript NM_001278669.2 (MANE Select); 9 bases into the intron after coding-DNA position 2092, A replaced by C.
Molecular consequence: intron variant. On other transcripts: missense variant (2).
Genome position (GRCh38, 1-based): chr18:79,467,591, A>C. VCF-style: chr18-79467591-A-C. GRCh37 (hg19) VCF-style: chr18-77227591-A-C.
Other names: c.2062A>C, p.Ile688Leu (NM_001278675.2); c.2101A>C, p.Ile701Leu (NM_172390.3); c.2092+9A>C (NM_006162.5, NM_001278670.2); c.676+9A>C (NM_172388.3, NM_001278673.2); c.2053+9A>C (NM_172387.3, NM_172389.3, NM_001278672.2); c.2062A>C (NM_001278675.1); short protein forms I688L, I701L.
Identifiers: ClinVar variation 1602470 (VCV001602470.11), dbSNP rs113736099, ClinGen allele CA9009485.

ClinVar aggregate classification (germline): Likely benign. Review status: criteria provided, multiple submitters, no conflicts (2 of 4 stars). 3 submissions from 3 submitters: Likely benign (2). 1 of the submissions does not count toward it. Last evaluated 2024-08-14.

Conditions:
NFATC1-related disorder. Also called: NFATC1-related condition.

Allele frequency attached by ClinVar (database versions not stated): 1000 Genomes Project 30x 0.00078; 1000 Genomes Project 0.00100; ESP Exome Variant Server 0.00169.
gnomAD v4.1: 1,277 of 1,613,828 alleles (0.079%); highest among the groups gnomAD compares: African/African-American, 0.16%; 1 homozygote.

Submissions (3):

Labcorp Genetics (formerly Invitae), Labcorp
Classification: Likely benign. Last evaluated: 2024-08-14. Review status: criteria provided, single submitter. Criteria: Invitae Variant Classification Sherloc (09022015). Collection method: clinical testing. Allele origin: germline.

Breakthrough Genomics
Classification: Likely benign. Review status: criteria provided, single submitter. Criteria: ACMG Guidelines, 2015. Collection method: not provided. Allele origin: germline. Inheritance: Unknown mechanism. Affected: yes.

PreventionGenetics, part of Exact Sciences
Classification: Likely benign for NFATC1-related condition. Last evaluated: 2023-05-25. Review status: no assertion criteria provided. Collection method: clinical testing. Allele origin: germline. Not counted in ClinVar's aggregate classification.
Comment: This variant is classified as likely benign based on ACMG/AMP sequence variant interpretation guidelines (Richards et al. 2015 PMID: 25741868, with internal and published modifications).